The following is an entry in ClinVar:

ClinVar aggregate classification (germline): Uncertain significance (1 of 4 stars; one submission).

Submission:

Ambry Genetics
Classification: Uncertain significance. Last evaluated: 2024-08-23. Review status: criteria provided, single submitter. Criteria: Ambry Variant Classification Scheme 2023. Collection method: clinical testing. Allele origin: germline.
Comment: The c.839_843delCTTTT variant, located in coding exon 6 of the RECQL gene, results from a deletion of 5 nucleotides at nucleotide positions 839 to 843, causing a translational frameshift with a predicted alternate stop codon (p.S280*). This alteration is expected to result in loss of function by premature protein truncation or nonsense-mediated mRNA decay. The evidence for this gene-disease relationship is limited; therefore, the clinical significance of this alteration is unclear.

NM_002907.4(RECQL):c.839_843del (p.Ala279_Ser280insTer)

Gene: RECQL (RecQ like helicase; minus strand). Cytogenetic location: 12p12.1.
Variant type: Deletion.
Coding change: c.839_843del on transcript NM_002907.4 (MANE Select); coding-DNA positions 839 to 843, 5 bases deleted (CTTTT; older notation c.839_843delCTTTT).
Protein change: p.Ala279_Ser280insTer.
Molecular consequence: nonsense.
Genome position (GRCh38, 1-based): chr12:21,477,827-21,477,831, AAAAG deleted on the plus strand (CTTTT on the coding strand, the reverse complement: RECQL is on the minus strand); deleting any 5 consecutive bases within chr12:21,477,827-21,477,833 gives the same sequence; the c. name uses the placement nearest the transcript's 3' end. VCF-style (leftmost placement, unchanged base first): chr12-21477826-TAAAAG-T. GRCh37 (hg19) VCF-style: chr12-21630760-TAAAAG-T.
Other names: c.839_843del, p.Ala279_Ser280insTer (NM_032941.3).
Identifiers: ClinVar variation 3431788 (VCV003431788.1).